The following is an entry in ClinVar:

ClinVar aggregate classification (germline): Uncertain significance. Review status: criteria provided, multiple submitters, no conflicts (2 of 4 stars). 2 submissions from 2 submitters: Uncertain significance (2). Last evaluated 2025-09-04.

Conditions:
Diamond-Blackfan anemia 8 (DBA8). Also called: RPS7-Related Diamond-Blackfan Anemia. Identifiers: Orphanet 124, MedGen C2675511, MONDO:0012939, OMIM 612563.

Allele frequency attached by ClinVar (database versions not stated): gnomAD exomes below 0.00001 and 0.00001; gnomAD 0.00001; TOPMed 0.00001.
gnomAD v4.1: 15 of 1,607,918 alleles (0.00093%); highest among the groups gnomAD compares: Non-Finnish European, 0.0012%; no homozygotes.

Submissions (2):

Labcorp Genetics (formerly Invitae), Labcorp
Classification: Uncertain significance for Diamond-Blackfan anemia 8. Last evaluated: 2025-09-04. Review status: criteria provided, single submitter. Criteria: Invitae Variant Classification Sherloc (09022015). Collection method: clinical testing. Allele origin: germline.
Comment: This sequence change replaces threonine, which is neutral and polar, with methionine, which is neutral and non-polar, at codon 46 of the RPS7 protein (p.Thr46Met). The frequency data for this variant in the population databases is considered unreliable, as metrics indicate poor data quality at this position in the gnomAD database. This variant has not been reported in the literature in individuals affected with RPS7-related conditions. ClinVar contains an entry for this variant (Variation ID: 942955). An algorithm developed to predict the effect of missense changes on protein structure and function (PolyPhen-2) suggests that this variant is likely to be tolerated. In summary, the available evidence is currently insufficient to determine the role of this variant in disease. Therefore, it has been classified as a Variant of Uncertain Significance.

Revvity Omics, Revvity
Classification: Uncertain significance for Diamond-Blackfan anemia 8. Last evaluated: 2024-08-30. Review status: criteria provided, single submitter. Criteria: ACMG Guidelines, 2015. Collection method: clinical testing. Allele origin: germline.

NM_001011.4(RPS7):c.137C>T (p.Thr46Met)

Gene: RPS7 (ribosomal protein S7; plus strand). Cytogenetic location: 2p25.3.
Variant type: single nucleotide variant.
Coding change: c.137C>T on transcript NM_001011.4 (MANE Select); coding-DNA position 137, C replaced by T.
Protein change: p.Thr46Met; replaces threonine 46 with methionine.
Molecular consequence: missense variant.
Genome position (GRCh38, 1-based): chr2:3,575,878, C>T. VCF-style: chr2-3575878-C-T. GRCh37 (hg19) VCF-style: chr2-3623468-C-T.
Other names: short protein forms T46M.
Identifiers: ClinVar variation 942955 (VCV000942955.10), dbSNP rs1006838420, ClinGen allele CA41546230.